The following is an entry in ClinVar:

ClinVar aggregate classification (germline): Uncertain significance (1 of 4 stars; one submission).

Conditions:
POLD1-related polyposis and colorectal cancer syndrome (CRCS10). Also called: COLORECTAL CANCER, SUSCEPTIBILITY TO, ON CHROMOSOME 19q; Colorectal cancer 10; Colorectal cancer, susceptibility to, 10. Identifiers: Orphanet 220460, MedGen C2675481, MONDO:0012953, OMIM 612591.

Submission:

Labcorp Genetics (formerly Invitae), Labcorp
Classification: Uncertain significance for POLD1-related polyposis and colorectal cancer syndrome. Last evaluated: 2025-03-19. Review status: criteria provided, single submitter. Criteria: Invitae Variant Classification Sherloc (09022015). Collection method: clinical testing. Allele origin: germline.
Comment: This sequence change replaces serine, which is neutral and polar, with asparagine, which is neutral and polar, at codon 719 of the POLD1 protein (p.Ser719Asn). This variant is not present in population databases (gnomAD no frequency). This variant has not been reported in the literature in individuals affected with POLD1-related conditions. An algorithm developed to predict the effect of missense changes on protein structure and function (PolyPhen-2) suggests that this variant is likely to be disruptive. In summary, the available evidence is currently insufficient to determine the role of this variant in disease. Therefore, it has been classified as a Variant of Uncertain Significance.

NM_002691.4(POLD1):c.2156G>A (p.Ser719Asn)

Gene: POLD1 (DNA polymerase delta 1, catalytic subunit; plus strand). Cytogenetic location: 19q13.33.
Variant type: single nucleotide variant.
Coding change: c.2156G>A on transcript NM_002691.4 (MANE Select); coding-DNA position 2156, G replaced by A.
Protein change: p.Ser719Asn; replaces serine 719 with asparagine.
Molecular consequence: missense variant. On other transcripts: non-coding transcript variant (1).
Genome position (GRCh38, 1-based): chr19:50,413,427, G>A. VCF-style: chr19-50413427-G-A. GRCh37 (hg19) VCF-style: chr19-50916684-G-A.
Other names: c.2156G>A, p.Ser719Asn (NM_001256849.1, NM_001438212.1, NM_001438213.1); c.2234G>A, p.Ser745Asn (NM_001308632.1); c.2084G>A, p.Ser695Asn (NM_001438210.1, NM_001438211.1); short protein forms S695N, S745N, S719N.
Identifiers: ClinVar variation 4715428 (VCV004715428.1).